The following is an entry in ClinVar:

ClinVar aggregate classification (germline): Uncertain significance. Review status: criteria provided, multiple submitters, no conflicts (2 of 4 stars). 2 submissions from 2 submitters: Uncertain significance (2). Last evaluated 2026-03-18.

Conditions:
Osteogenesis imperfecta type I (OI1). Also called: Lobstein disease; Classic Non-deforming Osteogenesis Imperfecta with Blue Sclerae; Lobstein's Disease; OI, TYPE I; OSTEOGENESIS IMPERFECTA TARDA; OSTEOGENESIS IMPERFECTA WITH BLUE SCLERAE. Identifiers: Orphanet 216796, Orphanet 666, MedGen C0023931, MONDO:0008146, OMIM 166200. Disease mechanism: loss of function.

Allele frequency attached by ClinVar (database versions not stated): gnomAD exomes below 0.00001.

Submissions (2):

Women's Health and Genetics/Laboratory Corporation of America, LabCorp
Classification: Uncertain significance. Last evaluated: 2026-03-18. Review status: criteria provided, single submitter. Criteria: LabCorp Variant Classification Summary - May 2015. Collection method: clinical testing. Allele origin: germline.
Comment: Variant summary: COL1A1 c.4247C>T (p.Thr1416Met) results in a non-conservative amino acid change in the encoded protein sequence. Algorithms developed to predict the effect of missense changes on protein structure and function all suggest that this variant is likely to be disruptive. Consensus agreement among computation tools predict no significant impact on normal splicing. However, these predictions have yet to be confirmed by functional studies. The variant was absent in 250516 control chromosomes. The available data on variant occurrences in the general population are insufficient to allow any conclusion about variant significance. To our knowledge, no occurrence of c.4247C>T in individuals affected with COL1A1-related conditions and no experimental evidence demonstrating its impact on protein function have been reported. ClinVar contains an entry for this variant (Variation ID: 949245). Based on the evidence outlined above, the variant was classified as uncertain significance.

Labcorp Genetics (formerly Invitae), Labcorp
Classification: Uncertain significance for Osteogenesis imperfecta type I. Last evaluated: 2025-02-26. Review status: criteria provided, single submitter. Criteria: Invitae Variant Classification Sherloc (09022015). Collection method: clinical testing. Allele origin: germline.
Comment: This sequence change replaces threonine, which is neutral and polar, with methionine, which is neutral and non-polar, at codon 1416 of the COL1A1 protein (p.Thr1416Met). This variant is not present in population databases (gnomAD no frequency). This variant has not been reported in the literature in individuals affected with COL1A1-related conditions. ClinVar contains an entry for this variant (Variation ID: 949245). Experimental studies and prediction algorithms are not available or were not evaluated, and the functional significance of this variant is currently unknown. In summary, the available evidence is currently insufficient to determine the role of this variant in disease. Therefore, it has been classified as a Variant of Uncertain Significance.

NM_000088.4(COL1A1):c.4247C>T (p.Thr1416Met)

Gene: COL1A1 (collagen type I alpha 1 chain; minus strand). Cytogenetic location: 17q21.33.
Variant type: single nucleotide variant.
Coding change: c.4247C>T on transcript NM_000088.4 (MANE Select); coding-DNA position 4247, C replaced by T.
Protein change: p.Thr1416Met; replaces threonine 1416 with methionine.
Molecular consequence: missense variant.
Genome position (GRCh38, 1-based): chr17:50,185,779, G>A on the plus strand (C>T on the coding strand, the complement: COL1A1 is on the minus strand). VCF-style: chr17-50185779-G-A. GRCh37 (hg19) VCF-style: chr17-48263140-G-A.
Other names: short protein forms T1416M.
Identifiers: ClinVar variation 949245 (VCV000949245.11), dbSNP rs1906450804, ClinGen allele CA400191138.
Genomic context (GRCh38, chr17:50,185,779, plus strand): 5'-TGGCCAAAAAGCCCAAGGCCGGAGAGGTGGGGCCCTGCCTGGGGATTCTGGGCACTCACC[G>A]TGCAGCCATCGACAGTGACGCTGTAGGTGAAGCGGCTGTTGCCCTCGGCGCGGATCTCGA-3'
Protein context (NP_000079.2, residues 1406-1426): FTYSVTVDGC[Thr1416Met]SHTGAWGKTV